The following is an entry in ClinVar:

ClinVar aggregate classification (germline): Likely benign. Review status: criteria provided, multiple submitters, no conflicts (2 of 4 stars). 2 submissions from 2 submitters: Likely benign (2). Last evaluated 2018-12-28.

Submissions (2):

Labcorp Genetics (formerly Invitae), Labcorp
Classification: Likely benign. Last evaluated: 2018-12-28. Review status: criteria provided, single submitter. Criteria: Invitae Variant Classification Sherloc (09022015). Collection method: clinical testing. Allele origin: germline.

GeneDx
Classification: Likely benign. Last evaluated: 2017-05-11. Review status: criteria provided, single submitter. Criteria: GeneDx Variant Classification (06012015). Collection method: clinical testing. Allele origin: germline. Affected: yes.
Comment: This variant is considered likely benign or benign based on one or more of the following criteria: it is a conservative change, it occurs at a poorly conserved position in the protein, it is predicted to be benign by multiple in silico algorithms, and/or has population frequency not consistent with disease.

NM_000334.4(SCN4A):c.1242+9del

Gene: SCN4A (sodium voltage-gated channel alpha subunit 4; minus strand). Cytogenetic location: 17q23.3.
Variant type: Deletion.
Coding change: c.1242+9del on transcript NM_000334.4 (MANE Select); 9 bases into the intron after coding-DNA position 1242, one base deleted (G; older notation c.1242+9delG).
Molecular consequence: intron variant.
Genome position (GRCh38, 1-based): chr17:63,966,093, C deleted on the plus strand (G on the coding strand, the reverse complement: SCN4A is on the minus strand). VCF-style (leftmost placement, unchanged base first): chr17-63966092-GC-G. GRCh37 (hg19) VCF-style: chr17-62043452-GC-G.
Other names: c.1242+9delG (NM_000334.4).
Identifiers: ClinVar variation 509530 (VCV000509530.4), dbSNP rs1555604336, ClinGen allele CA658798947.